The following is an entry in ClinVar:

NM_000368.5(TSC1):c.2626-2A>T

Gene: TSC1 (TSC complex subunit 1; minus strand). Cytogenetic location: 9q34.13.
Variant type: single nucleotide variant.
Coding change: c.2626-2A>T on transcript NM_000368.5 (MANE Select); the canonical splice acceptor site of the intron before coding-DNA position 2626, A replaced by T.
Molecular consequence: splice acceptor variant.
Genome position (GRCh38, 1-based): chr9:132,897,612, T>A on the plus strand (A>T on the coding strand, the complement: TSC1 is on the minus strand). VCF-style: chr9-132897612-T-A. GRCh37 (hg19) VCF-style: chr9-135772999-T-A.
Other names: NC_000009.11:g.135772999T>A; c.2260-2A>T (NM_001406620.1, NM_001406621.1, NM_001406622.1 and 1 more transcripts); c.2263-2A>T (NM_001406618.1, NM_001406617.1, NM_001406619.1 and 4 more transcripts); c.2218-2A>T (NM_001406625.1); c.2428-2A>T (NM_001406613.1); c.2470-2A>T (NM_001406612.1, NM_001406611.1); c.2473-2A>T (NM_001406610.1, NM_001162427.2); c.1672-2A>T (NM_001406627.1, NM_001406628.1); and 9 more.
Identifiers: ClinVar variation 3076021 (VCV003076021.2), dbSNP rs118203717, ClinGen allele CA375369736.

ClinVar aggregate classification (germline): Pathogenic (1 of 4 stars; one submission).

Conditions:
Tuberous sclerosis syndrome (TSC). Also called: Tuberous sclerosis; Tuberous Sclerosis Complex. Identifiers: Orphanet 805, MedGen C0041341, MONDO:0001734.

Submissions (11):

Laboratory for Molecular Medicine, Mass General Brigham Personalized Medicine
Classification: Pathogenic for Tuberous sclerosis syndrome. Last evaluated: 2016-06-22. Review status: criteria provided, single submitter. Criteria: ACMG Guidelines, 2015. Collection method: clinical testing. Allele origin: germline. Inheritance: Autosomal dominant inheritance.
Comment: The c.2626-2A>T variant in TSC1 has not been reported in individuals with tuberous sclerosis, and was absent from large population studies. This variant occurs in the invariant region (+/- 1,2) of the splice consensus sequence and is predicted to cause altered splicing leading to an abnormal or absent protein. Heterozygous loss-of-function of the TSC1 gene is an established disease mechanism in individuals with tuberous sclerosis. In summary, this variant meets our criteria to be classified as pathogenic for tuberous sclerosis in an autosomal dominant manner based upon the predicted impact to the protein.

Dr. Peter K. Rogan Lab, Western University
No classification provided (evidence only). Condition: Familial cancer of breast. Review status: no classification provided. Collection method: in vitro. Allele origin: not applicable. Functional consequence: retained intron. Not counted in ClinVar's aggregate classification.

Dr. Peter K. Rogan Lab, Western University
No classification provided (evidence only). Condition: Familial cancer of breast. Review status: no classification provided. Collection method: in vitro. Allele origin: not applicable. Functional consequence: retained intron. Not counted in ClinVar's aggregate classification.

Dr. Peter K. Rogan Lab, Western University
No classification provided (evidence only). Condition: Familial cancer of breast. Review status: no classification provided. Collection method: in vitro. Allele origin: not applicable. Functional consequence: retained intron. Not counted in ClinVar's aggregate classification.

Dr. Peter K. Rogan Lab, Western University
No classification provided (evidence only). Condition: Familial cancer of breast. Review status: no classification provided. Collection method: in vitro. Allele origin: not applicable. Functional consequence: retained intron. Not counted in ClinVar's aggregate classification.

Dr. Peter K. Rogan Lab, Western University
No classification provided (evidence only). Condition: Uterine corpus endometrial carcinoma. Review status: no classification provided. Collection method: in vitro. Allele origin: not applicable. Functional consequence: retained intron. Not counted in ClinVar's aggregate classification.

Dr. Peter K. Rogan Lab, Western University
No classification provided (evidence only). Condition: Cholangiocarcinoma. Review status: no classification provided. Collection method: in vitro. Allele origin: not applicable. Functional consequence: retained intron. Not counted in ClinVar's aggregate classification.

Dr. Peter K. Rogan Lab, Western University
No classification provided (evidence only). Condition: Cholangiocarcinoma. Review status: no classification provided. Collection method: in vitro. Allele origin: not applicable. Functional consequence: retained intron. Not counted in ClinVar's aggregate classification.

Dr. Peter K. Rogan Lab, Western University
No classification provided (evidence only). Condition: Cholangiocarcinoma. Review status: no classification provided. Collection method: in vitro. Allele origin: not applicable. Functional consequence: retained intron. Not counted in ClinVar's aggregate classification.

Dr. Peter K. Rogan Lab, Western University
No classification provided (evidence only). Condition: Cholangiocarcinoma. Review status: no classification provided. Collection method: in vitro. Allele origin: not applicable. Functional consequence: retained intron. Not counted in ClinVar's aggregate classification.

Dr. Peter K. Rogan Lab, Western University
No classification provided (evidence only). Condition: Cholangiocarcinoma. Review status: no classification provided. Collection method: in vitro. Allele origin: not applicable. Functional consequence: retained intron. Not counted in ClinVar's aggregate classification.

Literature cited by the submitters: PubMed 17304050 (cited by Laboratory for Molecular Medicine, Mass General Brigham Personalized Medicine).